The following is an entry in ClinVar:

NM_001267550.2(TTN):c.67569G>A (p.Val22523=)

Genes: TTN (titin; minus strand), TTN-AS1 (TTN antisense RNA 1; plus strand), LOC126806423 (CDK7 strongly-dependent group 2 enhancer GRCh37_chr2:179443309-179444508; plus strand). Cytogenetic location: 2q31.2.
Variant type: single nucleotide variant.
Coding change: c.67569G>A on transcript NM_001267550.2 (MANE Select); coding-DNA position 67569, G replaced by A.
Protein change: p.Val22523=; no amino-acid change (valine 22523 retained).
Molecular consequence: synonymous variant.
Genome position (GRCh38, 1-based): chr2:178,579,628, C>T on the plus strand (G>A on the coding strand, the complement: TTN is on the minus strand). VCF-style: chr2-178579628-C-T. GRCh37 (hg19) VCF-style: chr2-179444355-C-T.
Other names: c.62646G>A, p.Val20882= (NM_001256850.1); c.40374G>A, p.Val13458= (NM_003319.4); c.59865G>A, p.Val19955= (NM_133378.4); c.40749G>A, p.Val13583= (NM_133432.3); c.40950G>A, p.Val13650= (NM_133437.4).
Identifiers: ClinVar variation 1610558 (VCV001610558.10), dbSNP rs376719475, ClinGen allele CA1991284.
Genomic context (GRCh38, chr2:178,579,628, plus strand): 5'-ATCCCTTGCCACAACAGTGATTTCGCTTGGGGTTCCTTCTCCATTTTCATTCTCAGCACT[C>T]ACTCTGAAGGTATATTCCTTCCCTTCAGTCAAATCTTTTGCAGAGTACTGTAGGCTTAAG-3'
Protein context (NP_001254479.2, residues 22513-22533): LTEGKEYTFR[Val22523=]SAENENGEGT

ClinVar aggregate classification (germline): Conflicting classifications of pathogenicity. Review status: criteria provided, conflicting classifications (1 of 4 stars). 2 submissions from 2 submitters: Uncertain significance (1); Likely benign (1). Last evaluated 2025-02-04.

Conditions:
Dilated cardiomyopathy 1G (CMD1G). Identifiers: Orphanet 154, MedGen C1858763, MONDO:0011400, OMIM 604145.
Autosomal recessive limb-girdle muscular dystrophy type 2J (LGMDR10). Also called: MUSCULAR DYSTROPHY, LIMB-GIRDLE, AUTOSOMAL RECESSIVE 10; Limb-girdle muscular dystrophy, type 2J. Identifiers: Orphanet 140922, MedGen C1837342, MONDO:0012127, OMIM 608807.

Allele frequency attached by ClinVar (database versions not stated): gnomAD 0.00001.
gnomAD v4.1: 38 of 1,613,238 alleles (0.0024%); highest among the groups gnomAD compares: Non-Finnish European, 0.0031%; no homozygotes.

Submissions (2):

Labcorp Genetics (formerly Invitae), Labcorp
Classification: Likely benign for Dilated cardiomyopathy 1G; Autosomal recessive limb-girdle muscular dystrophy type 2J. Last evaluated: 2025-02-04. Review status: criteria provided, single submitter. Criteria: Invitae Variant Classification Sherloc (09022015). Collection method: clinical testing. Allele origin: germline.

GeneDx
Classification: Uncertain significance. Last evaluated: 2022-01-04. Review status: criteria provided, single submitter. Criteria: GeneDx Variant Classification Process June 2021. Collection method: clinical testing. Allele origin: germline. Affected: yes.
Comment: Has not been previously published as pathogenic or benign to our knowledge; Not observed at significant frequency in large population cohorts (gnomAD); In silico analysis supports a deleterious effect on splicing; Located in the A-band region of titin, where the majority of truncating pathogenic variants associated with DCM have been reported (Herman et al., 2012)